The following is an entry in ClinVar:

NM_020361.5(CPA6):c.127A>G (p.Ile43Val)

Gene: CPA6 (carboxypeptidase A6; minus strand). Cytogenetic location: 8q13.2.
Variant type: single nucleotide variant.
Coding change: c.127A>G on transcript NM_020361.5 (MANE Select); coding-DNA position 127, A replaced by G.
Protein change: p.Ile43Val; replaces isoleucine 43 with valine.
Molecular consequence: missense variant.
Genome position (GRCh38, 1-based): chr8:67,624,241, T>C on the plus strand (A>G on the coding strand, the complement: CPA6 is on the minus strand). VCF-style: chr8-67624241-T-C. GRCh37 (hg19) VCF-style: chr8-68536476-T-C.
Other names: short protein forms I43V.
Identifiers: ClinVar variation 577800 (VCV000577800.11), dbSNP rs766547893, ClinGen allele CA4773075.

ClinVar aggregate classification (germline): Uncertain significance. Review status: criteria provided, multiple submitters, no conflicts (2 of 4 stars). 3 submissions from 3 submitters: Uncertain significance (3). Last evaluated 2024-07-24.

Conditions:
Familial temporal lobe epilepsy 5. Identifiers: MedGen C3280730, MONDO:0013741, OMIM 614417.
Febrile seizures, familial, 11 (FEB11). Also called: CONVULSIONS, FAMILIAL FEBRILE, 11. Identifiers: MedGen C3280734, MONDO:0024566, OMIM 614418.

Allele frequency attached by ClinVar (database versions not stated): TOPMed 0.00002; gnomAD 0.00003; ExAC 0.00004; gnomAD exomes 0.00004 and 0.00005.
gnomAD v4.1: 57 of 1,462,878 alleles (0.0039%); highest among the groups gnomAD compares: Middle Eastern, 0.035%; no homozygotes.

Submissions (3):

Institute of Human Genetics, University of Leipzig Medical Center
Classification: Uncertain significance for Febrile seizures, familial, 11. Last evaluated: 2024-07-24. Review status: criteria provided, single submitter. Criteria: ACMG Guidelines, 2015. Collection method: clinical testing. Allele origin: maternal. Inheritance: Autosomal recessive inheritance. Affected: yes.
Comment: This variant was identified as compound heterozygous with NM_020361.5:c.107G>A (ClinVar ID: 1325821). Criteria applied: PM3, PM2_SUP

Labcorp Genetics (formerly Invitae), Labcorp
Classification: Uncertain significance for Febrile seizures, familial, 11. Last evaluated: 2024-02-24. Review status: criteria provided, single submitter. Criteria: Invitae Variant Classification Sherloc (09022015). Collection method: clinical testing. Allele origin: germline.
Comment: This sequence change replaces isoleucine, which is neutral and non-polar, with valine, which is neutral and non-polar, at codon 43 of the CPA6 protein (p.Ile43Val). This variant is present in population databases (rs766547893, gnomAD 0.007%). This variant has not been reported in the literature in individuals affected with CPA6-related conditions. ClinVar contains an entry for this variant (Variation ID: 577800). Advanced modeling of protein sequence and biophysical properties (such as structural, functional, and spatial information, amino acid conservation, physicochemical variation, residue mobility, and thermodynamic stability) performed at Invitae indicates that this missense variant is not expected to disrupt CPA6 protein function with a negative predictive value of 80%. In summary, the available evidence is currently insufficient to determine the role of this variant in disease. Therefore, it has been classified as a Variant of Uncertain Significance.

New York Genome Center
Classification: Uncertain significance for Febrile seizures, familial, 11; Familial temporal lobe epilepsy 5. Last evaluated: 2021-05-14. Review status: criteria provided, single submitter. Criteria: NYGC Assertion Criteria 2020. Collection method: clinical testing. Allele origin: inherited. Observed: 1 heterozygote. Study: CSER-NYCKidSeq.